The following is an entry in ClinVar:

ClinVar aggregate classification (germline): Uncertain significance (1 of 4 stars; one submission).

Allele frequency attached by ClinVar (database versions not stated): ExAC 0.00016; TOPMed 0.00009; gnomAD exomes 0.00009; gnomAD 0.00010.
gnomAD v4.1: 154 of 1,613,792 alleles (0.0095%); highest among the groups gnomAD compares: Middle Eastern, 0.016%; no homozygotes.

Submission:

Labcorp Genetics (formerly Invitae), Labcorp
Classification: Uncertain significance. Last evaluated: 2025-09-16. Review status: criteria provided, single submitter. Criteria: Invitae Variant Classification Sherloc (09022015). Collection method: clinical testing. Allele origin: germline.
Comment: This sequence change replaces serine, which is neutral and polar, with asparagine, which is neutral and polar, at codon 219 of the NPAT protein (p.Ser219Asn). This variant is present in population databases (rs202140027, gnomAD 0.02%). This variant has not been reported in the literature in individuals affected with NPAT-related conditions. ClinVar contains an entry for this variant (Variation ID: 2886666). An algorithm developed to predict the effect of missense changes on protein structure and function outputs the following: PolyPhen-2: "Benign". The asparagine amino acid residue is found in multiple mammalian species, which suggests that this missense change does not adversely affect protein function. In summary, the available evidence is currently insufficient to determine the role of this variant in disease. Therefore, it has been classified as a Variant of Uncertain Significance.

NM_002519.3(NPAT):c.656G>A (p.Ser219Asn)

Gene: NPAT (nuclear protein, coactivator of histone transcription; minus strand). Cytogenetic location: 11q22.3.
Variant type: single nucleotide variant.
Coding change: c.656G>A on transcript NM_002519.3 (MANE Select); coding-DNA position 656, G replaced by A.
Protein change: p.Ser219Asn; replaces serine 219 with asparagine.
Molecular consequence: missense variant.
Genome position (GRCh38, 1-based): chr11:108,186,552, C>T on the plus strand (G>A on the coding strand, the complement: NPAT is on the minus strand). VCF-style: chr11-108186552-C-T. GRCh37 (hg19) VCF-style: chr11-108057279-C-T.
Other names: c.656G>A, p.Ser219Asn (NM_001321307.1); short protein forms S219N.
Identifiers: ClinVar variation 2886666 (VCV002886666.3), dbSNP rs202140027, ClinGen allele CA6264229.